The following is an entry in ClinVar:

ClinVar aggregate classification (germline): Likely benign (1 of 4 stars; one submission).

Allele frequency attached by ClinVar (database versions not stated): 1000 Genomes Project 30x 0.00078; 1000 Genomes Project 0.00100; TOPMed 0.00132; ESP Exome Variant Server 0.00177.

Submission:

CeGaT Center for Human Genetics Tuebingen
Classification: Likely benign. Last evaluated: 2022-11-01. Review status: criteria provided, single submitter. Criteria: CeGaT Center For Human Genetics Tuebingen Variant Classification Criteria Version 2. Collection method: clinical testing. Allele origin: germline. Affected: yes. Observed: 2 variant alleles.
Comment: FAM217A: BP4, BP7, BS2

NM_173563.3(FAM217A):c.210G>C (p.Ser70=)

Gene: FAM217A (family with sequence similarity 217 member A; minus strand). Cytogenetic location: 6p25.2.
Variant type: single nucleotide variant.
Coding change: c.210G>C on transcript NM_173563.3 (MANE Select); coding-DNA position 210, G replaced by C.
Protein change: p.Ser70=; no amino-acid change (serine 70 retained).
Molecular consequence: synonymous variant.
Genome position (GRCh38, 1-based): chr6:4,073,457, C>G on the plus strand (G>C on the coding strand, the complement: FAM217A is on the minus strand). VCF-style: chr6-4073457-C-G. GRCh37 (hg19) VCF-style: chr6-4073691-C-G.
Identifiers: ClinVar variation 2656194 (VCV002656194.24), dbSNP rs149760129, ClinGen allele CA3621576.